The following is an entry in ClinVar:

ClinVar aggregate classification (germline): Uncertain significance (1 of 4 stars; one submission).

Conditions:
Hereditary cancer-predisposing syndrome. Also called: Neoplastic Syndromes, Hereditary; Tumor predisposition; Hereditary Cancer Syndrome; Hereditary neoplastic syndrome. Identifiers: Orphanet 140162, MedGen C0027672, MeSH D009386, MONDO:0015356.

Submission:

Ambry Genetics
Classification: Uncertain significance for Hereditary cancer-predisposing syndrome. Last evaluated: 2022-05-22. Review status: criteria provided, single submitter. Criteria: Ambry Variant Classification Scheme 2023. Collection method: clinical testing. Allele origin: germline.
Comment: The p.K614T variant (also known as c.1841A>C), located in coding exon 11 of the PMS2 gene, results from an A to C substitution at nucleotide position 1841. The lysine at codon 614 is replaced by threonine, an amino acid with similar properties. This amino acid position is conserved. In addition, this alteration is predicted to be tolerated by in silico analysis. Since supporting evidence is limited at this time, the clinical significance of this alteration remains unclear.

NM_000535.7(PMS2):c.1841A>C (p.Lys614Thr)

Gene: PMS2 (PMS1 homolog 2, mismatch repair system component; minus strand). Cytogenetic location: 7p22.1.
Variant type: single nucleotide variant.
Coding change: c.1841A>C on transcript NM_000535.7 (MANE Select); coding-DNA position 1841, A replaced by C.
Protein change: p.Lys614Thr; replaces lysine 614 with threonine.
Molecular consequence: missense variant. On other transcripts: non-coding transcript variant (1).
Genome position (GRCh38, 1-based): chr7:5,986,924, T>G on the plus strand (A>C on the coding strand, the complement: PMS2 is on the minus strand). VCF-style: chr7-5986924-T-G. GRCh37 (hg19) VCF-style: chr7-6026555-T-G.
Other names: c.908A>C, p.Lys303Thr (NM_001322012.2, NM_001322011.2); c.1532A>C, p.Lys511Thr (NM_001322015.2, NM_001406875.1, NM_001406877.1 and 5 more transcripts); c.1268A>C, p.Lys423Thr (NM_001322013.2, NM_001406909.1); c.1841A>C, p.Lys614Thr (NM_001322014.2, NM_001406871.1, NM_001406872.1); c.2027A>C, p.Lys676Thr (NM_001406866.1); c.1865A>C, p.Lys622Thr (NM_001406868.1); c.1436A>C, p.Lys479Thr (NM_001018040.1, NM_001322003.2, NM_001322004.2 and 17 more transcripts); c.1685A>C, p.Lys562Thr (NM_001322006.2, NM_001406870.1); and 12 more; short protein forms K303T, K443T, K506T, K508T, K548T, K558T, K622T, K357T.
Identifiers: ClinVar variation 1781162 (VCV001781162.2), dbSNP rs771892867, ClinGen allele CA366739634.
Genomic context (GRCh38, chr7:5,986,924, plus strand): 5'-TGATGTAACTGCTTTATTCGTTTAGCTAAAGAACTCATAGAAAAGTCCAGGGGCACAACT[T>G]TCTTATTAATTTTCACAGCTACATCAACCTGAGAGGCTGACATGTCCTGAGTATTTACTA-3'
Protein context (NP_000526.2, residues 604-624): QVDVAVKINK[Lys614Thr]VVPLDFSMSS